The following is an entry in ClinVar:

ClinVar aggregate classification (germline): Likely benign. Review status: criteria provided, multiple submitters, no conflicts (2 of 4 stars). 3 submissions from 3 submitters: Likely benign (3). Last evaluated 2024-06-04.

Allele frequency attached by ClinVar (database versions not stated): gnomAD exomes 0.00030; ExAC 0.00063; TOPMed 0.00100; gnomAD 0.00109.

Submissions (3):

Blueprint Genetics
Classification: Likely benign. Last evaluated: 2024-06-04. Review status: criteria provided, single submitter. Criteria: ACMG Guidelines, 2015. Collection method: clinical testing. Allele origin: germline.

GeneDx
Classification: Likely benign. Last evaluated: 2021-09-22. Review status: criteria provided, single submitter. Criteria: GeneDx Variant Classification Process June 2021. Collection method: clinical testing. Allele origin: germline. Affected: yes.
Comment: Has not been previously published as pathogenic or benign to our knowledge

Breakthrough Genomics
Classification: Likely benign. Review status: criteria provided, single submitter. Criteria: ACMG Guidelines, 2015. Collection method: not provided. Allele origin: germline. Inheritance: Autosomal recessive inheritance. Affected: yes.

NM_001164508.2(NEB):c.16569G>A (p.Val5523=)

Gene: NEB (nebulin; minus strand). Cytogenetic location: 2q23.3.
Variant type: single nucleotide variant.
Coding change: c.16569G>A on transcript NM_001164508.2 (MANE Select); coding-DNA position 16569, G replaced by A.
Protein change: p.Val5523=; no amino-acid change (valine 5523 retained).
Molecular consequence: synonymous variant. On other transcripts: intron variant (1).
Genome position (GRCh38, 1-based): chr2:151,579,473, C>T on the plus strand (G>A on the coding strand, the complement: NEB is on the minus strand). VCF-style: chr2-151579473-C-T. GRCh37 (hg19) VCF-style: chr2-152435987-C-T.
Other names: c.16569G>A, p.Val5523= (NM_001164507.2, NM_001271208.2); c.11602-3119G>A (NM_004543.5).
Identifiers: ClinVar variation 387861 (VCV000387861.6), dbSNP rs764449277, ClinGen allele CA1908418.